The following is an entry in ClinVar:

NM_007078.3(LDB3):c.1502C>T (p.Ala501Val)

Gene: LDB3 (LIM domain binding 3; plus strand). Cytogenetic location: 10q23.2.
Variant type: single nucleotide variant.
Coding change: c.1502C>T on transcript NM_007078.3 (MANE Select); coding-DNA position 1502, C replaced by T.
Protein change: p.Ala501Val; replaces alanine 501 with valine.
Molecular consequence: missense variant.
Genome position (GRCh38, 1-based): chr10:86,716,597, C>T. VCF-style: chr10-86716597-C-T. GRCh37 (hg19) VCF-style: chr10-88476354-C-T.
Other names: c.1502C>T (LRG_385t1); c.1172C>T, p.Ala391Val (NM_001080114.2); c.1517C>T, p.Ala506Val (NM_001171610.2); c.1313C>T, p.Ala438Val (NM_001368064.1, NM_001368065.1); c.1361C>T, p.Ala454Val (NM_001368066.1); short protein forms A501V, A438V, A454V, A506V, A391V.
Identifiers: ClinVar variation 426972 (VCV000426972.43), dbSNP rs755362259, ClinGen allele CA5585171.
Genomic context (GRCh38, chr10:86,716,597, plus strand): 5'-CTGCGGAGCCTGCCAGCCGTCCACCCTGGGTGACAGATGATAGCTTCTCCCAGAAGTTTG[C>T]CCCGGGCAAGAGCACCACCTCCATCAGCAAGCAGACCCTGCCCCGGGGAGGCCCAGCCTA-3'
Protein context (NP_009009.1, residues 491-511): VTDDSFSQKF[Ala501Val]PGKSTTSISK

ClinVar aggregate classification (germline): Uncertain significance. Review status: criteria provided, multiple submitters, no conflicts (2 of 4 stars). 7 submissions from 7 submitters: Uncertain significance (7). Last evaluated 2025-07-22.

Conditions:
Cardiovascular phenotype. Identifiers: MedGen CN230736.
Cardiomyopathy (CMYO). Also called: Cardiomyopathies. Identifiers: Orphanet 167848, MedGen C0878544, MONDO:0004994, HP:0001638. Inheritance: Various modes of inheritance.
Myofibrillar myopathy 4. Also called: Zaspopathy (type). Identifiers: Orphanet 98912, MedGen C4721886, MONDO:0012277, OMIM 609452.
Dilated cardiomyopathy 1C (CMD1C). Also called: Cardiomyopathy, dilated, 1C, with or without LVNC; CARDIOMYOPATHY, DILATED, 1C, WITH OR WITHOUT LEFT VENTRICULAR NONCOMPACTION. Identifiers: Orphanet 154, Orphanet 54260, MedGen C1832244, MONDO:0011094, OMIM 601493.

Allele frequency attached by ClinVar (database versions not stated): gnomAD exomes 0.00001; TOPMed 0.00001; gnomAD 0.00001; ExAC 0.00002.
gnomAD v4.1: 17 of 1,613,708 alleles (0.0011%); highest among the groups gnomAD compares: East Asian, 0.0022%; no homozygotes.

Submissions (7):

Labcorp Genetics (formerly Invitae), Labcorp
Classification: Uncertain significance for Myofibrillar myopathy 4. Last evaluated: 2025-07-22. Review status: criteria provided, single submitter. Criteria: Invitae Variant Classification Sherloc (09022015). Collection method: clinical testing. Allele origin: germline.
Comment: The LDB3 gene has multiple clinically relevant transcripts. This variant occurs in alternate transcript NM_007078.3, and corresponds to NM_001080116.1:c.*17223C>T in the primary transcript. This sequence change replaces alanine, which is neutral and non-polar, with valine, which is neutral and non-polar, at codon 501 of the LDB3 protein (p.Ala501Val). This variant is present in population databases (rs755362259, gnomAD 0.003%). This missense change has been observed in individual(s) with clinical features of LDB3-related conditions (internal data). Experimental studies and prediction algorithms are not available or were not evaluated, and the functional significance of this variant is currently unknown. In summary, the available evidence is currently insufficient to determine the role of this variant in disease. Therefore, it has been classified as a Variant of Uncertain Significance.

Ambry Genetics
Classification: Uncertain significance for Cardiovascular phenotype. Last evaluated: 2023-10-21. Review status: criteria provided, single submitter. Criteria: Ambry Variant Classification Scheme 2023. Collection method: clinical testing. Allele origin: germline.
Comment: The p.A501V variant (also known as c.1502C>T), located in coding exon 9 of the LDB3 gene, results from a C to T substitution at nucleotide position 1502. The alanine at codon 501 is replaced by valine, an amino acid with similar properties. This amino acid position is conserved. In addition, this alteration is predicted to be tolerated by in silico analysis. Since supporting evidence is limited at this time, the clinical significance of this alteration remains unclear.

CeGaT Center for Human Genetics Tuebingen
Classification: Uncertain significance. Last evaluated: 2022-09-01. Review status: criteria provided, single submitter. Criteria: CeGaT Center For Human Genetics Tuebingen Variant Classification Criteria Version 2. Collection method: clinical testing. Allele origin: germline. Affected: yes. Observed: 2 variant alleles.
Comment: LDB3: PM2, BP4

CHEO Genetics Diagnostic Laboratory, Children's Hospital of Eastern Ontario
Classification: Uncertain significance for Cardiomyopathy. Last evaluated: 2020-11-12. Review status: criteria provided, single submitter. Criteria: ACMG Guidelines, 2015. Collection method: clinical testing. Allele origin: germline.

Fulgent Genetics
Classification: Uncertain significance for Dilated cardiomyopathy 1C; Myofibrillar myopathy 4. Last evaluated: 2018-10-31. Review status: criteria provided, single submitter. Criteria: ACMG Guidelines, 2015. Collection method: clinical testing. Allele origin: unknown.

GeneDx
Classification: Uncertain significance. Last evaluated: 2018-07-17. Review status: criteria provided, single submitter. Criteria: GeneDx Variant Classification (06012015). Collection method: clinical testing. Allele origin: germline. Affected: yes.
Comment: A variant of uncertain significance has been identified in the LDB3 gene. The A501V variant has not been published as pathogenic or been reported as benign to our knowledge. This variant is not observed at a significant frequency in large population cohorts (Lek et al., 2016). However, the A501V variant is a conservative amino acid substitution, which is not likely to impact secondary protein structure as these residues share similar properties. Finally, in-silico analyses, including protein predictors and evolutionary conservation, support that this variant does not alter protein structure/function. Therefore, based on the currently available information, it is unclear whether this variant is pathogenic or rare benign.

Center for Advanced Laboratory Medicine, UC San Diego Health, University of California San Diego
Classification: Uncertain significance for Cardiomyopathy. Last evaluated: 2018-05-02. Review status: criteria provided, single submitter. Criteria: ACMG Guidelines, 2015. Collection method: clinical testing. Allele origin: germline. Affected: yes. Observed: 1 variant allele.